The following is an entry in ClinVar:

NM_004523.4(KIF11):c.988A>G (p.Thr330Ala)

Gene: KIF11 (kinesin family member 11; plus strand). Cytogenetic location: 10q23.33.
Variant type: single nucleotide variant.
Coding change: c.988A>G on transcript NM_004523.4 (MANE Select); coding-DNA position 988, A replaced by G.
Protein change: p.Thr330Ala; replaces threonine 330 with alanine.
Molecular consequence: missense variant.
Genome position (GRCh38, 1-based): chr10:92,613,575, A>G. VCF-style: chr10-92613575-A-G. GRCh37 (hg19) VCF-style: chr10-94373332-A-G.
Other names: short protein forms T330A.
Identifiers: ClinVar variation 2002091 (VCV002002091.4), dbSNP rs2492490383, ClinGen allele CA377590606.

ClinVar aggregate classification (germline): Uncertain significance (1 of 4 stars; one submission).

Submission:

Labcorp Genetics (formerly Invitae), Labcorp
Classification: Uncertain significance. Last evaluated: 2022-06-07. Review status: criteria provided, single submitter. Criteria: Invitae Variant Classification Sherloc (09022015). Collection method: clinical testing. Allele origin: germline.
Comment: This variant has not been reported in the literature in individuals affected with KIF11-related conditions. This sequence change replaces threonine, which is neutral and polar, with alanine, which is neutral and non-polar, at codon 330 of the KIF11 protein (p.Thr330Ala). This variant is not present in population databases (gnomAD no frequency). Algorithms developed to predict the effect of missense changes on protein structure and function (SIFT, PolyPhen-2, Align-GVGD) all suggest that this variant is likely to be disruptive. In summary, the available evidence is currently insufficient to determine the role of this variant in disease. Therefore, it has been classified as a Variant of Uncertain Significance.